The following is an entry in ClinVar:

NM_203447.4(DOCK8):c.5416G>T (p.Asp1806Tyr)

Gene: DOCK8 (dedicator of cytokinesis 8; plus strand). Cytogenetic location: 9p24.3.
Variant type: single nucleotide variant.
Coding change: c.5416G>T on transcript NM_203447.4 (MANE Select); coding-DNA position 5416, G replaced by T.
Protein change: p.Asp1806Tyr; replaces aspartic acid 1806 with tyrosine.
Molecular consequence: missense variant.
Genome position (GRCh38, 1-based): chr9:441,935, G>T. VCF-style: chr9-441935-G-T. GRCh37 (hg19) VCF-style: chr9-441935-G-T.
Other names: c.5116G>T, p.Asp1706Tyr (NM_001190458.2); c.5212G>T, p.Asp1738Tyr (NM_001193536.2); short protein forms D1738Y, D1706Y, D1806Y.
Identifiers: ClinVar variation 2091412 (VCV002091412.4), dbSNP rs1275461876, ClinGen allele CA372768367.

ClinVar aggregate classification (germline): Uncertain significance (1 of 4 stars; one submission).

Conditions:
Combined immunodeficiency due to DOCK8 deficiency (HIES2). Also called: HIES autosomal recessive; Hyper-IgE recurrent infection syndrome, autosomal recessive; HYPER-IgE SYNDROME 2, AUTOSOMAL RECESSIVE, WITH RECURRENT INFECTIONS; HYPER-IgE RECURRENT INFECTION SYNDROME 2, AUTOSOMAL RECESSIVE; DOCK8 Deficiency. Identifiers: Orphanet 217390, MedGen C4722305, MONDO:0009478, OMIM 243700.

Allele frequency attached by ClinVar (database versions not stated): gnomAD exomes below 0.00001.
gnomAD v4.1: 7 of 1,614,072 alleles (0.00043%); highest among the groups gnomAD compares: Non-Finnish European, 0.00059%; no homozygotes.

Submission:

Labcorp Genetics (formerly Invitae), Labcorp
Classification: Uncertain significance for Combined immunodeficiency due to DOCK8 deficiency. Last evaluated: 2022-02-01. Review status: criteria provided, single submitter. Criteria: Invitae Variant Classification Sherloc (09022015). Collection method: clinical testing. Allele origin: germline.
Comment: This variant is not present in population databases (gnomAD no frequency). This sequence change replaces aspartic acid, which is acidic and polar, with tyrosine, which is neutral and polar, at codon 1806 of the DOCK8 protein (p.Asp1806Tyr). In summary, the available evidence is currently insufficient to determine the role of this variant in disease. Therefore, it has been classified as a Variant of Uncertain Significance. Algorithms developed to predict the effect of sequence changes on RNA splicing suggest that this variant may create or strengthen a splice site. Algorithms developed to predict the effect of missense changes on protein structure and function are either unavailable or do not agree on the potential impact of this missense change (SIFT: "Deleterious"; PolyPhen-2: "Probably Damaging"; Align-GVGD: "Class C0"). This variant has not been reported in the literature in individuals affected with DOCK8-related conditions.